The following is an entry in ClinVar:

NM_002474.3(MYH11):c.4127C>T (p.Ser1376Leu)

Genes: MYH11 (myosin heavy chain 11; minus strand), NDE1 (nudE neurodevelopment protein 1; plus strand). Cytogenetic location: 16p13.11.
Variant type: single nucleotide variant.
Coding change: c.4127C>T on transcript NM_002474.3 (MANE Select); coding-DNA position 4127, C replaced by T.
Protein change: p.Ser1376Leu; replaces serine 1376 with leucine.
Molecular consequence: missense variant. On other transcripts: 3 prime UTR variant (2).
Genome position (GRCh38, 1-based): chr16:15,724,399, G>A on the plus strand (C>T on the coding strand, the complement: MYH11 is on the minus strand). VCF-style: chr16-15724399-G-A. GRCh37 (hg19) VCF-style: chr16-15818256-G-A.
Other names: c.4148C>T, p.Ser1383Leu (NM_001040113.2, NM_001040114.2); c.4127C>T, p.Ser1376Leu (NM_022844.3); c.*148G>A (NM_001143979.2, NM_017668.3); short protein forms S1376L, S1383L.
Identifiers: ClinVar variation 639271 (VCV000639271.19), dbSNP rs553877450, ClinGen allele CA7921753.

ClinVar aggregate classification (germline): Uncertain significance. Review status: criteria provided, multiple submitters, no conflicts (2 of 4 stars). 6 submissions from 6 submitters: Uncertain significance (6). Last evaluated 2026-08-31.

Conditions:
Familial thoracic aortic aneurysm and aortic dissection (TAAD). Also called: Thoracic aortic aneurysms and dissections. Identifiers: Orphanet 91387, MedGen C4707243, MONDO:0019625.
Aortic aneurysm, familial thoracic 4 (AAT4). Also called: AORTIC ANEURYSM/AORTIC DISSECTION AND PATENT DUCTUS ARTERIOSUS. Identifiers: MedGen C1851504, MONDO:0007568, OMIM 132900.
Visceral myopathy 2. Identifiers: MedGen C5543466, MONDO:0859157, OMIM 619350.
Megacystis-microcolon-intestinal hypoperistalsis syndrome 2. Identifiers: MedGen C5543476, MONDO:0025708, OMIM 619351.

Allele frequency attached by ClinVar (database versions not stated): gnomAD 0.00008 and 0.00007; gnomAD exomes 0.00002 and 0.00003; TOPMed 0.00007; 1000 Genomes Project 30x 0.00016; 1000 Genomes Project 0.00020; ExAC 0.00005.
gnomAD v4.1: 46 of 1,613,818 alleles (0.0029%); highest among the groups gnomAD compares: African/African-American, 0.037%; no homozygotes.

Submissions (6):

GeneDx
Classification: Uncertain significance. Last evaluated: 2026-08-31. Review status: criteria provided, single submitter. Criteria: GeneDx Variant Classification Process June 2021. Collection method: clinical testing. Allele origin: germline.
Comment: Has not been previously published as pathogenic or benign to our knowledge; In silico analysis suggests that this missense variant does not alter protein structure/function

Labcorp Genetics (formerly Invitae), Labcorp
Classification: Uncertain significance for Aortic aneurysm, familial thoracic 4. Last evaluated: 2025-11-16. Review status: criteria provided, single submitter. Criteria: Invitae Variant Classification Sherloc (09022015). Collection method: clinical testing. Allele origin: germline.
Comment: This sequence change replaces serine, which is neutral and polar, with leucine, which is neutral and non-polar, at codon 1383 of the MYH11 protein (p.Ser1383Leu). This variant is present in population databases (rs553877450, gnomAD 0.04%). This variant has not been reported in the literature in individuals affected with MYH11-related conditions. ClinVar contains an entry for this variant (Variation ID: 639271). Invitae Evidence Modeling of protein sequence and biophysical properties (such as structural, functional, and spatial information, amino acid conservation, physicochemical variation, residue mobility, and thermodynamic stability) indicates that this missense variant is not expected to disrupt MYH11 protein function with a negative predictive value of 95%. In summary, the available evidence is currently insufficient to determine the role of this variant in disease. Therefore, it has been classified as a Variant of Uncertain Significance.

Ambry Genetics
Classification: Uncertain significance for Familial thoracic aortic aneurysm and aortic dissection. Last evaluated: 2025-05-06. Review status: criteria provided, single submitter. Criteria: Ambry Variant Classification Scheme 2023. Collection method: clinical testing. Allele origin: germline.
Comment: The p.S1376L variant (also known as c.4127C>T), located in coding exon 30 of the MYH11 gene, results from a C to T substitution at nucleotide position 4127. The serine at codon 1376 is replaced by leucine, an amino acid with dissimilar properties. This amino acid position is conserved. In addition, this alteration is predicted to be tolerated by in silico analysis. Since supporting evidence is limited at this time, the clinical significance of this alteration remains unclear.

Color Diagnostics, LLC DBA Color Health
Classification: Uncertain significance for Familial thoracic aortic aneurysm and aortic dissection. Last evaluated: 2024-03-06. Review status: criteria provided, single submitter. Criteria: ACMG Guidelines, 2015. Collection method: clinical testing. Allele origin: germline.
Comment: This missense variant replaces serine with leucine at codon 1383 of the MYH11 protein. Computational prediction suggests that this variant may not impact protein structure and function (internally defined REVEL score threshold <= 0.5, PMID: 27666373). To our knowledge, functional studies have not been reported for this variant. This variant has not been reported in individuals affected with cardiovascular disorders in the literature. This variant has been identified in 10/281274 chromosomes in the general population by the Genome Aggregation Database (gnomAD). The available evidence is insufficient to determine the role of this variant in disease conclusively. Therefore, this variant is classified as a Variant of Uncertain Significance.

Clinical Genetics Laboratory, Skane University Hospital Lund
Classification: Uncertain significance. Last evaluated: 2023-08-18. Review status: criteria provided, single submitter. Criteria: ACMG Guidelines, 2015. Collection method: clinical testing. Allele origin: germline. Affected: yes.

Fulgent Genetics
Classification: Uncertain significance for Aortic aneurysm, familial thoracic 4; Visceral myopathy 2; Megacystis-microcolon-intestinal hypoperistalsis syndrome 2. Last evaluated: 2021-10-31. Review status: criteria provided, single submitter. Criteria: ACMG Guidelines, 2015. Collection method: clinical testing. Allele origin: unknown.